The following is an entry in ClinVar:

NM_003816.3(ADAM9):c.1516C>G (p.Gln506Glu)

Gene: ADAM9 (ADAM metallopeptidase domain 9; plus strand). Cytogenetic location: 8p11.22.
Variant type: single nucleotide variant.
Coding change: c.1516C>G on transcript NM_003816.3 (MANE Select); coding-DNA position 1516, C replaced by G.
Protein change: p.Gln506Glu; replaces glutamine 506 with glutamic acid.
Molecular consequence: missense variant. On other transcripts: non-coding transcript variant (3).
Genome position (GRCh38, 1-based): chr8:39,055,697, C>G. VCF-style: chr8-39055697-C-G. GRCh37 (hg19) VCF-style: chr8-38913216-C-G.
Other names: short protein forms Q506E.
Identifiers: ClinVar variation 853052 (VCV000853052.5), dbSNP rs780826292, ClinGen allele CA4721636.

ClinVar aggregate classification (germline): Uncertain significance (1 of 4 stars; one submission).

Allele frequency attached by ClinVar (database versions not stated): gnomAD 0.00001; TOPMed 0.00002; gnomAD exomes 0.00005 and 0.00011; ExAC 0.00010.
gnomAD v4.1: 28 of 1,613,608 alleles (0.0017%); highest among the groups gnomAD compares: Admixed American, 0.047%; no homozygotes.

Submission:

Labcorp Genetics (formerly Invitae), Labcorp
Classification: Uncertain significance. Last evaluated: 2024-11-05. Review status: criteria provided, single submitter. Criteria: Invitae Variant Classification Sherloc (09022015). Collection method: clinical testing. Allele origin: germline.
Comment: This sequence change replaces glutamine, which is neutral and polar, with glutamic acid, which is acidic and polar, at codon 506 of the ADAM9 protein (p.Gln506Glu). This variant is present in population databases (rs780826292, gnomAD 0.08%). This variant has not been reported in the literature in individuals affected with ADAM9-related conditions. ClinVar contains an entry for this variant (Variation ID: 853052). Invitae Evidence Modeling of protein sequence and biophysical properties (such as structural, functional, and spatial information, amino acid conservation, physicochemical variation, residue mobility, and thermodynamic stability) indicates that this missense variant is not expected to disrupt ADAM9 protein function with a negative predictive value of 80%. In summary, the available evidence is currently insufficient to determine the role of this variant in disease. Therefore, it has been classified as a Variant of Uncertain Significance.